The following is an entry in ClinVar:

ClinVar aggregate classification (germline): Uncertain significance. Review status: criteria provided, multiple submitters, no conflicts (2 of 4 stars). 3 submissions from 3 submitters: Uncertain significance (3). Last evaluated 2025-08-24.

Conditions:
Cardiovascular phenotype. Identifiers: MedGen CN230736.
Catecholaminergic polymorphic ventricular tachycardia 1. Also called: VENTRICULAR TACHYCARDIA, CATECHOLAMINERGIC POLYMORPHIC, 1, WITH OR WITHOUT ATRIAL DYSFUNCTION AND/OR DILATED CARDIOMYOPATHY; VENTRICULAR TACHYCARDIA, STRESS-INDUCED POLYMORPHIC 1; RYR2-Related Catecholaminergic Polymorphic Ventricular Tachycardia. Identifiers: Orphanet 3286, MedGen C1631597, MONDO:0011484, OMIM 604772.

gnomAD v4.1: 4 of 1,613,872 alleles (0.00025%); highest among the groups gnomAD compares: African/African-American, 0.0027%; no homozygotes.

Submissions (3):

Labcorp Genetics (formerly Invitae), Labcorp
Classification: Uncertain significance for Catecholaminergic polymorphic ventricular tachycardia 1. Last evaluated: 2025-08-24. Review status: criteria provided, single submitter. Criteria: Invitae Variant Classification Sherloc (09022015). Collection method: clinical testing. Allele origin: germline.
Comment: This sequence change replaces arginine, which is basic and polar, with tryptophan, which is neutral and slightly polar, at codon 2127 of the RYR2 protein (p.Arg2127Trp). This variant is not present in population databases (gnomAD no frequency). This missense change has been observed in individual(s) with clinical features of RYR2-related conditions (PMID: 28991257). ClinVar contains an entry for this variant (Variation ID: 1753147). Invitae Evidence Modeling of protein sequence and biophysical properties (such as structural, functional, and spatial information, amino acid conservation, physicochemical variation, residue mobility, and thermodynamic stability) indicates that this missense variant is expected to disrupt RYR2 protein function with a positive predictive value of 95%. In summary, the available evidence is currently insufficient to determine the role of this variant in disease. Therefore, it has been classified as a Variant of Uncertain Significance.

Ambry Genetics
Classification: Uncertain significance for Cardiovascular phenotype. Last evaluated: 2024-05-28. Review status: criteria provided, single submitter. Criteria: Ambry Variant Classification Scheme 2023. Collection method: clinical testing. Allele origin: germline.
Comment: The p.R2127W variant (also known as c.6379C>T), located in coding exon 41 of the RYR2 gene, results from a C to T substitution at nucleotide position 6379. The arginine at codon 2127 is replaced by tryptophan, an amino acid with dissimilar properties. This amino acid position is highly conserved in available vertebrate species. In addition, this alteration is predicted to be deleterious by in silico analysis. Based on the available evidence, the clinical significance of this variant remains unclear.

Revvity Omics, Revvity
Classification: Uncertain significance. Last evaluated: 2024-05-15. Review status: criteria provided, single submitter. Criteria: ACMG Guidelines, 2015. Collection method: clinical testing. Allele origin: germline.

Literature cited by the submitters: PubMed 28991257 (cited by Labcorp Genetics (formerly Invitae), Labcorp).

NM_001035.3(RYR2):c.6379C>T (p.Arg2127Trp)

Gene: RYR2 (ryanodine receptor 2; plus strand). Cytogenetic location: 1q43.
Variant type: single nucleotide variant.
Coding change: c.6379C>T on transcript NM_001035.3 (MANE Select); coding-DNA position 6379, C replaced by T.
Protein change: p.Arg2127Trp; replaces arginine 2127 with tryptophan.
Molecular consequence: missense variant.
Genome position (GRCh38, 1-based): chr1:237,628,019, C>T. VCF-style: chr1-237628019-C-T. GRCh37 (hg19) VCF-style: chr1-237791319-C-T.
Other names: short protein forms R2127W.
Identifiers: ClinVar variation 1753147 (VCV001753147.5), dbSNP rs756121980, ClinGen allele CA345411419.